The following is an entry in ClinVar:

ClinVar aggregate classification (germline): Benign (1 of 4 stars; one submission).

Conditions:
MELAS syndrome (MELAS). Also called: Juvenile myopathy, encephalopathy, lactic acidosis, stroke. Identifiers: Orphanet 550, MedGen C0162671, MONDO:0010789, OMIM 540000.

Submission:

Wong Mito Lab, Molecular and Human Genetics, Baylor College of Medicine
Classification: Benign for MELAS syndrome. Last evaluated: 2019-07-12. Review status: criteria provided, single submitter. Criteria: Modified ACMG Guidelines (Unpublished). Collection method: clinical testing. Allele origin: germline.
Comment: The NC_012920.1:m.5618T>C variant in MT-TA gene is interpreted to be a Benign variant based on the modified ACMG guidelines (unpublished). This variant meets the following evidence codes reported in the guidelines: BS1, BS2, BP4

Literature cited by the submitters: PubMed 31965079.

NC_012920.1(MT-TA):m.5618T>C

Gene: MT-TA (mitochondrially encoded tRNA alanine; minus strand).
Variant type: single nucleotide variant.
Genome position: chrM-5618-T-C.
Identifiers: ClinVar variation 689959 (VCV000689959.1), dbSNP rs1603220060, ClinGen allele CA913180023.